The following is an entry in ClinVar:

NM_003126.4(SPTA1):c.*167A>G

Genes: OR10Z1 (olfactory receptor family 10 subfamily Z member 1; plus strand), SPTA1 (spectrin alpha, erythrocytic 1; minus strand). Cytogenetic location: 1q23.1.
Variant type: single nucleotide variant.
Coding change: c.*167A>G on transcript NM_003126.4 (MANE Select); 167 bases downstream of the stop codon, A replaced by G.
Molecular consequence: 3 prime UTR variant.
Genome position (GRCh38, 1-based): chr1:158,611,097, T>C on the plus strand (A>G on the coding strand, the complement: SPTA1 is on the minus strand). VCF-style: chr1-158611097-T-C. GRCh37 (hg19) VCF-style: chr1-158580887-T-C.
Identifiers: ClinVar variation 292923 (VCV000292923.8), dbSNP rs3768535, ClinGen allele CA10608365.
Genomic context (GRCh38, chr1:158,611,097, plus strand): 5'-AGCTTCCACTCCTCCAACTCTATTAACCTTTCTATCTCCCACCCTTGAGATTTTTTAAGA[T>C]CCTACAATAAATGTAATATGCACACAAACACAAGCACACACACACACACACACACACACA-3'

ClinVar aggregate classification (germline): Benign. Review status: criteria provided, multiple submitters, no conflicts (2 of 4 stars). 6 submissions from 4 submitters: Benign (6). Last evaluated 2022-10-21.

Conditions:
Pyropoikilocytosis, hereditary. Also called: Pyropoikilocytosis. Identifiers: MedGen C0520739, MONDO:0009948, OMIM 266140, HP:0004839. Disease mechanism: loss of function.
Hereditary spherocytosis type 3. Also called: Spherocytosis type 3; SPTA1-Related Spherocytosis. Identifiers: Orphanet 822, MedGen C2678338, MONDO:0010053, OMIM 270970.
Elliptocytosis 2 (EL2). Also called: ELLIPTOCYTOSIS, RHESUS-UNLINKED TYPE. Identifiers: Orphanet 288, MedGen C1851741, MONDO:0007533, OMIM 130600.

Allele frequency attached by ClinVar (database versions not stated): 1000 Genomes Project 30x 0.22689; 1000 Genomes Project 0.22744; TOPMed 0.24396; gnomAD 0.25440 and 0.25502.
gnomAD v4.1: 234,494 of 913,686 alleles (26%); highest among the groups gnomAD compares: Non-Finnish European, 27%; 31,521 homozygotes.

Submissions (6):

Mayo Clinic Laboratories, Mayo Clinic
Classification: Benign. Last evaluated: 2022-10-21. Review status: criteria provided, single submitter. Criteria: ACMG Guidelines, 2015. Collection method: clinical testing. Allele origin: germline. Observed: 459 variant alleles.

GeneDx
Classification: Benign. Last evaluated: 2018-11-12. Review status: criteria provided, single submitter. Criteria: GeneDx Variant Classification Process June 2021. Collection method: clinical testing. Allele origin: germline. Affected: yes.

Illumina Laboratory Services, Illumina
Classification: Benign for Pyropoikilocytosis, hereditary. Last evaluated: 2018-01-13. Review status: criteria provided, single submitter. Criteria: ICSL Variant Classification Criteria 13 December 2019. Collection method: clinical testing. Allele origin: germline.
Comment: This variant was observed in the ICSL laboratory as part of a predisposition screen in an ostensibly healthy population. It had not been previously curated by ICSL or reported in the Human Gene Mutation Database (HGMD: prior to June 1st, 2018), and was therefore a candidate for classification through an automated scoring system. Utilizing variant allele frequency, disease prevalence and penetrance estimates, and inheritance mode, an automated score was calculated to assess if this variant is too frequent to cause the disease. Based on the score and internal cut-off values, a variant classified as benign is not then subjected to further curation. The score for this variant resulted in a classification of benign for this disease.

Illumina Laboratory Services, Illumina
Classification: Benign for Elliptocytosis 2. Last evaluated: 2018-01-13. Review status: criteria provided, single submitter. Criteria: ICSL Variant Classification Criteria 13 December 2019. Collection method: clinical testing. Allele origin: germline.
Comment: the same text as in the submission from Illumina Laboratory Services, Illumina above.

Illumina Laboratory Services, Illumina
Classification: Benign for Hereditary spherocytosis type 3. Last evaluated: 2018-01-13. Review status: criteria provided, single submitter. Criteria: ICSL Variant Classification Criteria 13 December 2019. Collection method: clinical testing. Allele origin: germline.
Comment: the same text as in the submission from Illumina Laboratory Services, Illumina above.

Breakthrough Genomics
Classification: Benign. Review status: criteria provided, single submitter. Criteria: ACMG Guidelines, 2015. Collection method: not provided. Allele origin: germline. Inheritance: Autosomal recessive inheritance. Affected: yes.